The following is an entry in ClinVar:

NM_006031.6(PCNT):c.5826G>A (p.Arg1942=)

Gene: PCNT (pericentrin; plus strand). Cytogenetic location: 21q22.3.
Variant type: single nucleotide variant.
Coding change: c.5826G>A on transcript NM_006031.6 (MANE Select); coding-DNA position 5826, G replaced by A.
Protein change: p.Arg1942=; no amino-acid change (arginine 1942 retained).
Molecular consequence: synonymous variant.
Genome position (GRCh38, 1-based): chr21:46,411,899, G>A. VCF-style: chr21-46411899-G-A. GRCh37 (hg19) VCF-style: chr21-47831813-G-A.
Other names: c.5472G>A, p.Arg1824= (NM_001315529.2).
Identifiers: ClinVar variation 340510 (VCV000340510.16), dbSNP rs536281306, ClinGen allele CA10080098.

ClinVar aggregate classification (germline): Benign/Likely benign. Review status: criteria provided, multiple submitters, no conflicts (2 of 4 stars). 5 submissions from 5 submitters: Benign (1); Likely benign (4). Last evaluated 2025-11-04.

Conditions:
Microcephalic osteodysplastic primordial dwarfism type II (MOPD2). Also called: Microcephalic osteodysplastic primordial dwarfism with tooth abnormalities; MOPD II; OSTEODYSPLASTIC PRIMORDIAL DWARFISM, TYPE II. Identifiers: Orphanet 2637, MedGen C0432246, MONDO:0008872, OMIM 210720.

Allele frequency attached by ClinVar (database versions not stated): gnomAD 0.00012 and 0.00030; TOPMed 0.00023; gnomAD exomes 0.00041 and 0.00048; ExAC 0.00074; 1000 Genomes Project 30x 0.00109; 1000 Genomes Project 0.00120.
gnomAD v4.1: 632 of 1,581,796 alleles (0.04%); highest among the groups gnomAD compares: East Asian, 1.3%; 6 homozygotes.

Submissions (5):

Labcorp Genetics (formerly Invitae), Labcorp
Classification: Benign. Last evaluated: 2025-11-04. Review status: criteria provided, single submitter. Criteria: Invitae Variant Classification Sherloc (09022015). Collection method: clinical testing. Allele origin: germline.

Blueprint Genetics
Classification: Likely benign. Last evaluated: 2024-06-24. Review status: criteria provided, single submitter. Criteria: ACMG Guidelines, 2015. Collection method: clinical testing. Allele origin: germline.

GeneDx
Classification: Likely benign. Last evaluated: 2021-02-05. Review status: criteria provided, single submitter. Criteria: GeneDx Variant Classification Process June 2021. Collection method: clinical testing. Allele origin: germline. Affected: yes.

Illumina Laboratory Services, Illumina
Classification: Likely benign for Microcephalic osteodysplastic primordial dwarfism type II. Last evaluated: 2018-01-12. Review status: criteria provided, single submitter. Criteria: ICSL Variant Classification Criteria 13 December 2019. Collection method: clinical testing. Allele origin: germline.
Comment: This variant was observed in the ICSL laboratory as part of a predisposition screen in an ostensibly healthy population. It had not been previously curated by ICSL or reported in the Human Gene Mutation Database (HGMD: prior to June 1st, 2018), and was therefore a candidate for classification through an automated scoring system. Utilizing variant allele frequency, disease prevalence and penetrance estimates, and inheritance mode, an automated score was calculated to assess if this variant is too frequent to cause the disease. Based on the score and internal cut-off values, a variant classified as likely benign is not then subjected to further curation. The score for this variant resulted in a classification of likely benign for this disease.

Genetic Services Laboratory, University of Chicago
Classification: Likely benign. Last evaluated: 2016-12-30. Review status: criteria provided, single submitter. Criteria: ACMG Guidelines, 2015. Collection method: clinical testing. Allele origin: germline. Affected: no.